The following is an entry in ClinVar:

NM_001267550.2(TTN):c.69584_69585insGGCCGGGCGCGGTGGCTCACGCCTGTAATCCCAGCACTTTGGGAGGCCGAGGCGGGTGGATCATGAGGTCANNNNNNNNNNAAAAAAAAAAAAAAAAAAAAAAAAACACCAGTTTC (p.Ser23195_Asp23196insAlaGlyArgGlyGlySerArgLeuTer)

Genes: TTN (titin; minus strand), TTN-AS1 (TTN antisense RNA 1; plus strand), LOC126806422 (BRD4-independent group 4 enhancer GRCh37_chr2:179440205-179441404; plus strand). Cytogenetic location: 2q31.2.
Variant type: Insertion.
Coding change: c.69584_69585insGGCCGGGCGCGGTGGCTCACGCCTGTAATCCCAGCACTTTGGGAGGCCGAGGCGGGTGGATCATGAGGTCANNNNNNNNNNAAAAAAAAAAAAAAAAAAAAAAAAACACCAGTTTC on transcript NM_001267550.2 (MANE Select); coding-DNA positions 69584 to 69585, GGCCGGGCGCGGTGGCTCACGCCTGTAATCCCAGCACTTTGGGAGGCCGAGGCGGGTGGATCATGAGGTCANNNNNNNNNNAAAAAAAAAAAAAAAAAAAAAAAAACACCAGTTTC inserted.
Protein change: p.Ser23195_Asp23196insAlaGlyArgGlyGlySerArgLeuTer.
Molecular consequence: nonsense, inframe insertion.
Genome position: GRCh38: chr2:178,576,674-178,576,675. GRCh37 (hg19): chr2:179,441,401-179,441,402.
Other names: c.64661_64662insGGCCGGGCGCGGTGGCTCACGCCTGTAATCCCAGCACTTTGGGAGGCCGAGGCGGGTGGATCATGAGGTCANNNNNNNNNNAAAAAAAAAAAAAAAAAAAAAAAAACACCAGTTTC, p.Ser21554_Asp21555insAlaGlyArgGlyGlySerArgLeuTer (NM_001256850.1); c.42389_42390insGGCCGGGCGCGGTGGCTCACGCCTGTAATCCCAGCACTTTGGGAGGCCGAGGCGGGTGGATCATGAGGTCANNNNNNNNNNAAAAAAAAAAAAAAAAAAAAAAAAACACCAGTTTC, p.Ser14130_Asp14131insAlaGlyArgGlyGlySerArgLeuTer (NM_003319.4); c.61880_61881insGGCCGGGCGCGGTGGCTCACGCCTGTAATCCCAGCACTTTGGGAGGCCGAGGCGGGTGGATCATGAGGTCANNNNNNNNNNAAAAAAAAAAAAAAAAAAAAAAAAACACCAGTTTC, p.Ser20627_Asp20628insAlaGlyArgGlyGlySerArgLeuTer (NM_133378.4); c.42764_42765insGGCCGGGCGCGGTGGCTCACGCCTGTAATCCCAGCACTTTGGGAGGCCGAGGCGGGTGGATCATGAGGTCANNNNNNNNNNAAAAAAAAAAAAAAAAAAAAAAAAACACCAGTTTC, p.Ser14255_Asp14256insAlaGlyArgGlyGlySerArgLeuTer (NM_133432.3); c.42965_42966insGGCCGGGCGCGGTGGCTCACGCCTGTAATCCCAGCACTTTGGGAGGCCGAGGCGGGTGGATCATGAGGTCANNNNNNNNNNAAAAAAAAAAAAAAAAAAAAAAAAACACCAGTTTC, p.Ser14322_Asp14323insAlaGlyArgGlyGlySerArgLeuTer (NM_133437.4).
Identifiers: ClinVar variation 2135843 (VCV002135843.4), dbSNP rs2468741701.

ClinVar aggregate classification (germline): Likely pathogenic (1 of 4 stars; one submission).

Conditions:
Dilated cardiomyopathy 1G (CMD1G). Identifiers: Orphanet 154, MedGen C1858763, MONDO:0011400, OMIM 604145.
Autosomal recessive limb-girdle muscular dystrophy type 2J (LGMDR10). Also called: MUSCULAR DYSTROPHY, LIMB-GIRDLE, AUTOSOMAL RECESSIVE 10; Limb-girdle muscular dystrophy, type 2J. Identifiers: Orphanet 140922, MedGen C1837342, MONDO:0012127, OMIM 608807.

Submission:

Labcorp Genetics (formerly Invitae), Labcorp
Classification: Likely pathogenic for Dilated cardiomyopathy 1G; Autosomal recessive limb-girdle muscular dystrophy type 2J. Last evaluated: 2025-02-23. Review status: criteria provided, single submitter. Criteria: Invitae Variant Classification Sherloc (09022015). Collection method: clinical testing. Allele origin: germline.
Comment: This sequence change inserts a large fragment of DNA, likely a transposable element, in exon 325 of the TTN gene (c.69584_69585ins?), causing a frameshift at codon 23196 (p.Asp23196fs). The exact size and sequence of the insertion cannot be determined by the current assay. While this is not anticipated to result in nonsense mediated decay, it is expected to create a truncated TTN protein. This variant is not present in population databases (gnomAD no frequency). This variant has not been reported in the literature in individuals affected with TTN-related conditions. Algorithms developed to predict the effect of sequence changes on RNA splicing suggest that this variant may create or strengthen a splice site. This variant is located in the A band of TTN (PMID: 25589632). Truncating variants in this region are significantly overrepresented in patients affected with dilated cardiomyopathy (PMID: 25589632). Truncating variants in this region have also been reported in individuals affected with autosomal recessive centronuclear myopathy (PMID: 23975875). Retrotransposon insertions including LINE1 (L1), Alu, and SVA (SINE-VNTR-Alu) have been reported to disrupt protein function (PMID: 19763152, 20307669, 22406018). However the effect of this particular variant is unknown. In summary, the currently available evidence indicates that the variant is pathogenic, but additional data are needed to prove that conclusively. Therefore, this variant has been classified as Likely Pathogenic.

Literature cited by the submitters: PubMed 25589632; PubMed 23975875; PubMed 19763152; PubMed 20307669; PubMed 22406018.